The following is an entry in ClinVar:

ClinVar aggregate classification (germline): Uncertain significance (1 of 4 stars; one submission).

Conditions:
Brachyolmia-amelogenesis imperfecta syndrome. Also called: PLATYSPONDYLY WITH AMELOGENESIS IMPERFECTA; Tooth agenesis, selective, 6; Dental anomalies and short stature. Identifiers: Orphanet 2899, MedGen C1832594, MONDO:0011018, OMIM 601216. Disease mechanism: loss of function.

Submission:

Labcorp Genetics (formerly Invitae), Labcorp
Classification: Uncertain significance for Brachyolmia-amelogenesis imperfecta syndrome. Last evaluated: 2025-06-15. Review status: criteria provided, single submitter. Criteria: Invitae Variant Classification Sherloc (09022015). Collection method: clinical testing. Allele origin: germline.
Comment: This sequence change replaces proline, which is neutral and non-polar, with glutamine, which is neutral and polar, at codon 989 of the LTBP3 protein (p.Pro989Gln). This variant is not present in population databases (gnomAD no frequency). This variant has not been reported in the literature in individuals affected with LTBP3-related conditions. An algorithm developed to predict the effect of missense changes on protein structure and function (PolyPhen-2) suggests that this variant is likely to be disruptive. In summary, the available evidence is currently insufficient to determine the role of this variant in disease. Therefore, it has been classified as a Variant of Uncertain Significance.

NM_001130144.3(LTBP3):c.2966C>A (p.Pro989Gln)

Genes: LTBP3 (latent transforming growth factor beta binding protein 3; minus strand), LOC121832793 (Sharpr-MPRA regulatory region 4001; plus strand). Cytogenetic location: 11q13.1.
Variant type: single nucleotide variant.
Coding change: c.2966C>A on transcript NM_001130144.3 (MANE Select); coding-DNA position 2966, C replaced by A.
Protein change: p.Pro989Gln; replaces proline 989 with glutamine.
Molecular consequence: missense variant.
Genome position (GRCh38, 1-based): chr11:65,540,882, G>T on the plus strand (C>A on the coding strand, the complement: LTBP3 is on the minus strand). VCF-style: chr11-65540882-G-T. GRCh37 (hg19) VCF-style: chr11-65308353-G-T.
Other names: c.2615C>A, p.Pro872Gln (NM_001164266.1); c.2966C>A, p.Pro989Gln (NM_021070.4); short protein forms P872Q, P989Q.
Identifiers: ClinVar variation 4719789 (VCV004719789.1).